The following is an entry in ClinVar:

ClinVar aggregate classification (germline): Uncertain significance. Review status: criteria provided, multiple submitters, no conflicts (2 of 4 stars). 3 submissions from 3 submitters: Uncertain significance (3). Last evaluated 2025-11-17.

Conditions:
Cardiomyopathy (CMYO). Also called: Cardiomyopathies. Identifiers: Orphanet 167848, MedGen C0878544, MONDO:0004994, HP:0001638. Inheritance: Various modes of inheritance.
Hypertrophic cardiomyopathy. Also called: HYPERTROPHIC MYOCARDIOPATHY. Identifiers: Orphanet 217569, MedGen C0007194, MeSH D002312, MONDO:0005045, HP:0001639.

Submissions (3):

Labcorp Genetics (formerly Invitae), Labcorp
Classification: Uncertain significance for Hypertrophic cardiomyopathy. Last evaluated: 2025-11-17. Review status: criteria provided, single submitter. Criteria: Invitae Variant Classification Sherloc (09022015). Collection method: clinical testing. Allele origin: germline.
Comment: This sequence change replaces alanine, which is neutral and non-polar, with threonine, which is neutral and polar, at codon 372 of the MYBPC3 protein (p.Ala372Thr). This variant is not present in population databases (gnomAD no frequency). This variant has not been reported in the literature in individuals affected with MYBPC3-related conditions. ClinVar contains an entry for this variant (Variation ID: 3767513). An algorithm developed to predict the effect of missense changes on protein structure and function (PolyPhen-2) suggests that this variant is likely to be disruptive. In summary, the available evidence is currently insufficient to determine the role of this variant in disease. Therefore, it has been classified as a Variant of Uncertain Significance.

Color Diagnostics, LLC DBA Color Health
Classification: Uncertain significance for Cardiomyopathy. Last evaluated: 2025-09-05. Review status: criteria provided, single submitter. Criteria: ACMG Guidelines, 2015. Collection method: clinical testing. Allele origin: germline.
Comment: This missense variant replaces alanine with threonine at codon 372 of the MYBPC3 protein. Computational prediction is inconclusive regarding the impact of this variant on protein structure and function. To our knowledge, functional studies have not been reported for this variant. This variant has not been reported in individuals affected with MYBPC3-related disorders in the literature. This variant has not been identified in the general population by the Genome Aggregation Database (gnomAD). The available evidence is insufficient to determine the role of this variant in disease conclusively. Therefore, this variant is classified as a Variant of Uncertain Significance.

GeneDx
Classification: Uncertain significance. Last evaluated: 2024-09-10. Review status: criteria provided, single submitter. Criteria: GeneDx Variant Classification Process June 2021. Collection method: clinical testing. Allele origin: germline. Affected: yes.
Comment: Not observed at significant frequency in large population cohorts (gnomAD); In silico analysis supports that this missense variant has a deleterious effect on protein structure/function; Has not been previously published as pathogenic or benign to our knowledge

NM_000256.3(MYBPC3):c.1114G>A (p.Ala372Thr)

Gene: MYBPC3 (myosin binding protein C3; minus strand). Cytogenetic location: 11p11.2.
Variant type: single nucleotide variant.
Coding change: c.1114G>A on transcript NM_000256.3 (MANE Select); coding-DNA position 1114, G replaced by A.
Protein change: p.Ala372Thr; replaces alanine 372 with threonine.
Molecular consequence: missense variant.
Genome position (GRCh38, 1-based): chr11:47,343,601, C>T on the plus strand (G>A on the coding strand, the complement: MYBPC3 is on the minus strand). VCF-style: chr11-47343601-C-T. GRCh37 (hg19) VCF-style: chr11-47365152-C-T.
Other names: short protein forms A372T.
Identifiers: ClinVar variation 3767513 (VCV003767513.2).